The following is an entry in ClinVar:

ClinVar aggregate classification (germline): Uncertain significance (1 of 4 stars; one submission).

Conditions:
Cardiovascular phenotype. Identifiers: MedGen CN230736.
Hereditary cancer-predisposing syndrome. Also called: Hereditary Cancer Syndrome; Neoplastic Syndromes, Hereditary; Tumor predisposition; Hereditary neoplastic syndrome. Identifiers: Orphanet 140162, MedGen C0027672, MeSH D009386, MONDO:0015356.

Submission:

Ambry Genetics
Classification: Uncertain significance for Cardiovascular phenotype; Hereditary cancer-predisposing syndrome. Last evaluated: 2021-08-09. Review status: criteria provided, single submitter. Criteria: Ambry Variant Classification Scheme 2023. Collection method: clinical testing. Allele origin: germline.
Comment: The p.T1790A variant (also known as c.5368A>G), located in coding exon 37 of the NF1 gene, results from an A to G substitution at nucleotide position 5368. The threonine at codon 1790 is replaced by alanine, an amino acid with similar properties. This amino acid position is highly conserved in available vertebrate species. In addition, this alteration is predicted to be deleterious by in silico analysis. Since supporting evidence is limited at this time, the clinical significance of this alteration remains unclear.

NM_001042492.3(NF1):c.5431A>G (p.Thr1811Ala)

Gene: NF1 (neurofibromin 1; plus strand). Cytogenetic location: 17q11.2.
Variant type: single nucleotide variant.
Coding change: c.5431A>G on transcript NM_001042492.3 (MANE Select); coding-DNA position 5431, A replaced by G.
Protein change: p.Thr1811Ala; replaces threonine 1811 with alanine.
Molecular consequence: missense variant.
Genome position (GRCh38, 1-based): chr17:31,327,661, A>G. VCF-style: chr17-31327661-A-G. GRCh37 (hg19) VCF-style: chr17-29654679-A-G.
Other names: c.5368A>G, p.Thr1790Ala (NM_000267.4); short protein forms T1790A, T1811A.
Identifiers: ClinVar variation 1747091 (VCV001747091.2), dbSNP rs2151541333, ClinGen allele CA399009422.